The following is an entry in ClinVar:

ClinVar aggregate classification (germline): Uncertain significance (1 of 4 stars; one submission).

Conditions:
Inborn genetic diseases. Identifiers: MedGen C0950123, MeSH D030342.

gnomAD v4.1: 1 of 1,613,930 alleles (0.000062%); highest among the groups gnomAD compares: Non-Finnish European, 0.000085%; no homozygotes.

Submission:

Ambry Genetics
Classification: Uncertain significance for Inborn genetic diseases. Last evaluated: 2025-04-11. Review status: criteria provided, single submitter. Criteria: Ambry Variant Classification Scheme 2023. Collection method: clinical testing. Allele origin: germline.
Comment: The p.A419V variant (also known as c.1256C>T), located in coding exon 12 of the DDX41 gene, results from a C to T substitution at nucleotide position 1256. The alanine at codon 419 is replaced by valine, an amino acid with similar properties. This amino acid position is conserved. In addition, this alteration is predicted to be deleterious by in silico analysis. Based on the available evidence, the clinical significance of this variant remains unclear.

NM_016222.4(DDX41):c.1256C>T (p.Ala419Val)

Gene: DDX41 (DEAD-box helicase 41; minus strand). Cytogenetic location: 5q35.3.
Variant type: single nucleotide variant.
Coding change: c.1256C>T on transcript NM_016222.4 (MANE Select); coding-DNA position 1256, C replaced by T.
Protein change: p.Ala419Val; replaces alanine 419 with valine.
Molecular consequence: missense variant.
Genome position (GRCh38, 1-based): chr5:177,513,057, G>A on the plus strand (C>T on the coding strand, the complement: DDX41 is on the minus strand). VCF-style: chr5-177513057-G-A. GRCh37 (hg19) VCF-style: chr5-176940058-G-A.
Other names: c.878C>T, p.Ala293Val (NM_001321732.2, NM_001321830.2); short protein forms A293V, A419V.
Identifiers: ClinVar variation 4010312 (VCV004010312.1).
Genomic context (GRCh38, chr5:177,513,057, plus strand): 5'-CTGGCTGCACTCACAGGCGGGGGTGTCTTCTGCAGGCACTCGAGCAGGTACACCATCTTG[G>A]CCTCCTCCTTCACATATTCTACCTCCTGCCACCACAAAGATCAGGTCAGGTGATCTTGAG-3'
Protein context (NP_057306.2, residues 409-429): IQEVEYVKEE[Ala419Val]KMVYLLECLQ